The following is an entry in ClinVar:

ClinVar aggregate classification (germline): Conflicting classifications of pathogenicity. Review status: criteria provided, conflicting classifications (1 of 4 stars). 3 submissions from 3 submitters: Uncertain significance (2); Likely benign (1). Last evaluated 2026-06-01.

Allele frequency attached by ClinVar (database versions not stated): gnomAD exomes 0.00096 and 0.00192; ESP Exome Variant Server 0.00100; ExAC 0.00102; gnomAD 0.00143; 1000 Genomes Project 30x 0.00156; 1000 Genomes Project 0.00160; TOPMed 0.00161.
gnomAD v4.1: 3,022 of 1,605,748 alleles (0.19%); highest among the groups gnomAD compares: Non-Finnish European, 0.23%; 6 homozygotes.

Submissions (3):

CeGaT Center for Human Genetics Tuebingen
Classification: Likely benign. Last evaluated: 2026-06-01. Review status: criteria provided, single submitter. Criteria: CeGaT Center For Human Genetics Tuebingen Variant Classification Criteria Version 2. Collection method: clinical testing. Allele origin: germline. Affected: yes. Observed: 3 variant alleles.
Comment: RALGAPA1: BS1

Mayo Clinic Laboratories, Mayo Clinic
Classification: Uncertain significance. Last evaluated: 2024-01-23. Review status: criteria provided, single submitter. Criteria: ACMG Guidelines, 2015. Collection method: clinical testing. Allele origin: germline. Observed: 1 variant allele.
Comment: BS2, PP2

Greenwood Genetic Center Diagnostic Laboratories, Greenwood Genetic Center
Classification: Uncertain significance. Last evaluated: 2023-06-15. Review status: criteria provided, single submitter. Criteria: ACMG Guidelines, 2015. Collection method: clinical testing. Allele origin: germline. Affected: yes.
Comment: PP2

NM_001346249.2(RALGAPA1):c.1819A>G (p.Lys607Glu)

Gene: RALGAPA1 (Ral GTPase activating protein catalytic subunit alpha 1; minus strand). Cytogenetic location: 14q13.2.
Variant type: single nucleotide variant.
Coding change: c.1819A>G on transcript NM_001346249.2 (MANE Select); coding-DNA position 1819, A replaced by G.
Protein change: p.Lys607Glu; replaces lysine 607 with glutamic acid.
Molecular consequence: missense variant.
Genome position (GRCh38, 1-based): chr14:35,725,071, T>C on the plus strand (A>G on the coding strand, the complement: RALGAPA1 is on the minus strand). VCF-style: chr14-35725071-T-C. GRCh37 (hg19) VCF-style: chr14-36194277-T-C.
Other names: p.Lys607Glu; c.1819A>G, p.Lys607Glu (NM_001283043.3, NM_001283044.3, NM_001330075.3 and 7 more transcripts); short protein forms K607E.
Identifiers: ClinVar variation 1675538 (VCV001675538.35), dbSNP rs144614582, ClinGen allele CA7156979.
Genomic context (GRCh38, chr14:35,725,071, plus strand): 5'-TTATTTTTATTGCCTGGAAAAGTGGTCCTGCAAGTCGACCTGCCAAGGTCATATTTTTTT[T>C]CCCTTGGAACTGTAGAAAAGCTTGTGATGGCATCTTCAGTACAGATTCCGTGACTCTGAG-3'
Protein context (NP_001333178.1, residues 597-617): PSQAFLQFQG[Lys607Glu]KNMTLAGRLA